The following is an entry in ClinVar:

ClinVar aggregate classification (germline): Uncertain significance (1 of 4 stars; one submission).

Submission:

CeGaT Center for Human Genetics Tuebingen
Classification: Uncertain significance. Last evaluated: 2024-07-01. Review status: criteria provided, single submitter. Criteria: CeGaT Center For Human Genetics Tuebingen Variant Classification Criteria Version 2. Collection method: clinical testing. Allele origin: germline. Affected: yes. Observed: 1 variant allele.
Comment: RAD51: PM2

NM_002875.5(RAD51):c.26C>T (p.Ala9Val)

Gene: RAD51 (RAD51 recombinase; plus strand). Cytogenetic location: 15q15.1.
Variant type: single nucleotide variant.
Coding change: c.26C>T on transcript NM_002875.5 (MANE Select); coding-DNA position 26, C replaced by T.
Protein change: p.Ala9Val; replaces alanine 9 with valine.
Molecular consequence: missense variant.
Genome position (GRCh38, 1-based): chr15:40,698,784, C>T. VCF-style: chr15-40698784-C-T. GRCh37 (hg19) VCF-style: chr15-40990982-C-T.
Other names: c.26C>T, p.Ala9Val (NM_001164269.2, NM_001164270.2, NM_133487.4); short protein forms A9V.
Identifiers: ClinVar variation 3342008 (VCV003342008.16).